The following is an entry in ClinVar:

ClinVar aggregate classification (germline): Uncertain significance (1 of 4 stars; one submission).

Allele frequency attached by ClinVar (database versions not stated): ExAC 0.00034; 1000 Genomes Project 0.00040; 1000 Genomes Project 30x 0.00062; ESP Exome Variant Server 0.00108; gnomAD 0.00128; TOPMed 0.00138.
gnomAD v4.1: 335 of 1,613,144 alleles (0.021%); highest among the groups gnomAD compares: African/African-American, 0.41%; no homozygotes.

Submission:

Women's Health and Genetics/Laboratory Corporation of America, LabCorp
Classification: Uncertain significance. Last evaluated: 2023-08-24. Review status: criteria provided, single submitter. Criteria: LabCorp Variant Classification Summary - May 2015. Collection method: clinical testing. Allele origin: germline.
Comment: Variant summary: SNX14 c.-18G>C is located in the untranslated mRNA region upstream of the initiation codon. The variant allele was found at a frequency of 0.00039 in 275542 control chromosomes, predominantly at a frequency of 0.004 within the African or African-American subpopulation in the gnomAD database. To our knowledge, no occurrence of c.-18G>C in individuals affected with Autosomal Recessive Spinocerebellar Ataxia 20 and no experimental evidence demonstrating its impact on protein function have been reported. No submitters have cited clinical-significance assessments for this variant to ClinVar after 2014. Based on the evidence outlined above, the variant was classified as uncertain significance.

NM_153816.6(SNX14):c.-18G>C

Gene: SNX14 (sorting nexin 14; minus strand). Cytogenetic location: 6q14.3.
Variant type: single nucleotide variant.
Coding change: c.-18G>C on transcript NM_153816.6 (MANE Select); 18 bases upstream of the start codon, G replaced by C.
Molecular consequence: 5 prime UTR variant. On other transcripts: non-coding transcript variant (4), intron variant (9).
Genome position (GRCh38, 1-based): chr6:85,593,736, C>G on the plus strand (G>C on the coding strand, the complement: SNX14 is on the minus strand). VCF-style: chr6-85593736-C-G. GRCh37 (hg19) VCF-style: chr6-86303454-C-G.
Other names: c.-18G>C (NM_001297614.3, NM_001350532.2, NM_001350533.2 and 8 more transcripts); c.-418G>C (NM_001350545.2); c.-1037G>C (NM_001350548.2); c.-1169G>C (NM_001350550.2); c.-1084G>C (NM_001350551.2); c.-1201G>C (NM_001350552.2); c.-17+98G>C (NM_001350543.2, NM_001350539.2, NM_001350542.2 and 2 more transcripts); c.-261+98G>C (NM_001350546.2); and 2 more.
Identifiers: ClinVar variation 2581357 (VCV002581357.1), dbSNP rs372883833, ClinGen allele CA3912588.